The following is an entry in ClinVar:

ClinVar aggregate classification (germline): Likely benign (0 of 4 stars; one submission).

Conditions:
DMBT1-related disorder. Also called: DMBT1-related condition.

Allele frequency attached by ClinVar (database versions not stated): TOPMed 0.00002.
gnomAD v4.1: 2 of 1,588,334 alleles (0.00013%); highest among the groups gnomAD compares: African/African-American, 0.0027%; no homozygotes.

Submission:

PreventionGenetics, part of Exact Sciences
Classification: Likely benign for DMBT1-related condition. Last evaluated: 2020-10-23. Review status: no assertion criteria provided. Collection method: clinical testing. Allele origin: germline.
Comment: This variant is classified as likely benign based on ACMG/AMP sequence variant interpretation guidelines (Richards et al. 2015 PMID: 25741868, with internal and published modifications).

NM_001377530.1(DMBT1):c.1809G>A (p.Arg603=)

Gene: DMBT1 (deleted in malignant brain tumors 1; plus strand). Cytogenetic location: 10q26.13.
Variant type: single nucleotide variant.
Coding change: c.1809G>A on transcript NM_001377530.1 (MANE Select); coding-DNA position 1809, G replaced by A.
Protein change: p.Arg603=; no amino-acid change (arginine 603 retained).
Molecular consequence: synonymous variant. On other transcripts: intron variant (1).
Genome position (GRCh38, 1-based): chr10:122,588,969, G>A. VCF-style: chr10-122588969-G-A. GRCh37 (hg19) VCF-style: chr10-124348485-G-A.
Other names: c.1809G>A, p.Arg603= (NM_001320644.2, NM_007329.3); c.1779G>A, p.Arg593= (NM_017579.3); c.1420+4618G>A (NM_004406.3).
Identifiers: ClinVar variation 3032810 (VCV003032810.2), dbSNP rs2097821479, ClinGen allele CA471745951.